The following is an entry in ClinVar:

NM_000414.4(HSD17B4):c.623-2A>G

Gene: HSD17B4 (hydroxysteroid 17-beta dehydrogenase 4; plus strand). Cytogenetic location: 5q23.1.
Variant type: single nucleotide variant.
Coding change: c.623-2A>G on transcript NM_000414.4 (MANE Select); the canonical splice acceptor site of the intron before coding-DNA position 623, A replaced by G.
Molecular consequence: splice acceptor variant.
Genome position (GRCh38, 1-based): chr5:119,489,190, A>G. VCF-style: chr5-119489190-A-G. GRCh37 (hg19) VCF-style: chr5-118824885-A-G.
Other names: c.212-2A>G (NM_001374503.1, NM_001374502.1, NM_001374501.1); c.698-2A>G (NM_001199291.3); c.296-2A>G (NM_001374499.1); c.182-2A>G (NM_001374500.1); c.203-2A>G (NM_001292028.2); c.551-2A>G (NM_001292027.2); c.623-2A>G (NM_001374498.1); c.614-2A>G (NM_001374497.1); and 1 more.
Identifiers: ClinVar variation 2445953 (VCV002445953.2), dbSNP rs1749873891, ClinGen allele CA360866861.

ClinVar aggregate classification (germline): Likely pathogenic. Review status: criteria provided, multiple submitters, no conflicts (2 of 4 stars). 2 submissions from 2 submitters: Likely pathogenic (2). Last evaluated 2023-02-24.

Conditions:
Bifunctional peroxisomal enzyme deficiency (DBIF). Also called: DBP DEFICIENCY; PBFE DEFICIENCY; D-bifunctional protein deficiency. Identifiers: Orphanet 300, MedGen C0342870, MONDO:0009855, OMIM 261515. Disease mechanism: loss of function.

Allele frequency attached by ClinVar (database versions not stated): TOPMed below 0.00001.

Submissions (2):

Women's Health and Genetics/Laboratory Corporation of America, LabCorp
Classification: Likely pathogenic for Bifunctional peroxisomal enzyme deficiency. Last evaluated: 2023-02-24. Review status: criteria provided, single submitter. Criteria: LabCorp Variant Classification Summary - May 2015. Collection method: clinical testing. Allele origin: germline.
Comment: Variant summary: HSD17B4 c.623-2A>G is located in a canonical splice-site and is predicted to affect mRNA splicing resulting in a significantly altered protein due to either exon skipping, shortening, or inclusion of intronic material. Several computational tools predict a significant impact on normal splicing: Four predict the variant abolishes a 3' acceptor site. However, these predictions have yet to be confirmed by functional studies. The variant was absent in 251040 control chromosomes. To our knowledge, no occurrence of c.623-2A>G in individuals affected with D-Bifunctional Protein Deficiency and no experimental evidence demonstrating its impact on protein function have been reported. No clinical diagnostic laboratories have submitted clinical-significance assessments for this variant to ClinVar after 2014. Based on the evidence outlined above, the variant was classified as likely pathogenic.

Baylor Genetics
Classification: Likely pathogenic for Bifunctional peroxisomal enzyme deficiency. Last evaluated: 2023-02-12. Review status: criteria provided, single submitter. Criteria: ACMG Guidelines, 2015. Collection method: clinical testing. Allele origin: unknown.